The following is an entry in ClinVar:

ClinVar aggregate classification (germline): Pathogenic (1 of 4 stars; one submission).

Conditions:
Glycogen storage disease, type V (GSD5). Also called: MCARDLE DISEASE; MUSCLE GLYCOGEN PHOSPHORYLASE DEFICIENCY; MYOPHOSPHORYLASE DEFICIENCY; PYGM DEFICIENCY; McArdle type glycogen storage disease. Identifiers: Orphanet 368, MedGen C0017924, MONDO:0009293, OMIM 232600.

Submission:

Myriad Genetics, Inc.
Classification: Pathogenic for Glycogen storage disease, type V. Last evaluated: 2024-05-14. Review status: criteria provided, single submitter. Criteria: Myriad Autosomal Dominant, Autosomal Recessive and X-Linked Classification Criteria (2023). Collection method: clinical testing. Allele origin: unknown.
Comment: NM_005609.2(PYGM):c.1085G>A(W362*) is expected to be pathogenic in the context of glycogen storage disease, PYGM-related. This variant is predicted to lead to an abnormal or absent protein product due to the creation of a premature termination codon in PYGM, a gene where loss-of-function variants are known to be pathogenic. Please note: this variant was assessed in the context of healthy population screening.

NM_005609.4(PYGM):c.1085G>A (p.Trp362Ter)

Gene: PYGM (glycogen phosphorylase, muscle associated; minus strand). Cytogenetic location: 11q13.1.
Variant type: single nucleotide variant.
Coding change: c.1085G>A on transcript NM_005609.4 (MANE Select); coding-DNA position 1085, G replaced by A.
Protein change: p.Trp362Ter; replaces tryptophan 362 with a stop codon.
Molecular consequence: nonsense.
Genome position (GRCh38, 1-based): chr11:64,754,260, C>T on the plus strand (G>A on the coding strand, the complement: PYGM is on the minus strand). VCF-style: chr11-64754260-C-T. GRCh37 (hg19) VCF-style: chr11-64521732-C-T.
Other names: c.821G>A, p.Trp274Ter (NM_001164716.1); short protein forms W274*, W362*.
Identifiers: ClinVar variation 5013652 (VCV005013652.1).